The following is an entry in ClinVar:

ClinVar aggregate classification (germline): Uncertain significance (1 of 4 stars; one submission).

Submission:

Labcorp Genetics (formerly Invitae), Labcorp
Classification: Uncertain significance. Last evaluated: 2022-07-29. Review status: criteria provided, single submitter. Criteria: Invitae Variant Classification Sherloc (09022015). Collection method: clinical testing. Allele origin: germline.
Comment: This variant has not been reported in the literature in individuals affected with HMCN1-related conditions. In summary, the available evidence is currently insufficient to determine the role of this variant in disease. Therefore, it has been classified as a Variant of Uncertain Significance. Algorithms developed to predict the effect of missense changes on protein structure and function are either unavailable or do not agree on the potential impact of this missense change (SIFT: "Deleterious"; PolyPhen-2: "Benign"; Align-GVGD: "Class C0"). This variant is not present in population databases (gnomAD no frequency). This sequence change replaces arginine, which is basic and polar, with serine, which is neutral and polar, at codon 1895 of the HMCN1 protein (p.Arg1895Ser).

NM_031935.3(HMCN1):c.5685A>T (p.Arg1895Ser)

Gene: HMCN1 (hemicentin 1; plus strand). Cytogenetic location: 1q31.1.
Variant type: single nucleotide variant.
Coding change: c.5685A>T on transcript NM_031935.3 (MANE Select); coding-DNA position 5685, A replaced by T.
Protein change: p.Arg1895Ser; replaces arginine 1895 with serine.
Molecular consequence: missense variant.
Genome position (GRCh38, 1-based): chr1:186,023,089, A>T. VCF-style: chr1-186023089-A-T. GRCh37 (hg19) VCF-style: chr1-185992221-A-T.
Other names: short protein forms R1895S.
Identifiers: ClinVar variation 1714186 (VCV001714186.5), dbSNP rs2527563246, ClinGen allele CA343895234.